The following is an entry in ClinVar:

NM_001457.4(FLNB):c.7781G>A (p.Gly2594Asp)

Gene: FLNB (filamin B; plus strand). Cytogenetic location: 3p14.3.
Variant type: single nucleotide variant.
Coding change: c.7781G>A on transcript NM_001457.4 (MANE Select); coding-DNA position 7781, G replaced by A.
Protein change: p.Gly2594Asp; replaces glycine 2594 with aspartic acid.
Molecular consequence: missense variant.
Genome position (GRCh38, 1-based): chr3:58,170,734, G>A. VCF-style: chr3-58170734-G-A. GRCh37 (hg19) VCF-style: chr3-58156461-G-A.
Other names: c.7874G>A, p.Gly2625Asp (NM_001164317.2); c.7748G>A, p.Gly2583Asp (NM_001164318.2); c.7709G>A, p.Gly2570Asp (NM_001164319.2); short protein forms G2570D, G2583D, G2594D, G2625D.
Identifiers: ClinVar variation 2767237 (VCV002767237.3), dbSNP rs2471282614, ClinGen allele CA353336421.

ClinVar aggregate classification (germline): Uncertain significance (1 of 4 stars; one submission).

Submission:

Labcorp Genetics (formerly Invitae), Labcorp
Classification: Uncertain significance. Last evaluated: 2023-10-09. Review status: criteria provided, single submitter. Criteria: Invitae Variant Classification Sherloc (09022015). Collection method: clinical testing. Allele origin: germline.
Comment: This sequence change replaces glycine, which is neutral and non-polar, with aspartic acid, which is acidic and polar, at codon 2594 of the FLNB protein (p.Gly2594Asp). This variant is not present in population databases (gnomAD no frequency). This variant has not been reported in the literature in individuals affected with FLNB-related conditions. Advanced modeling of protein sequence and biophysical properties (such as structural, functional, and spatial information, amino acid conservation, physicochemical variation, residue mobility, and thermodynamic stability) performed at Invitae indicates that this missense variant is not expected to disrupt FLNB protein function. In summary, the available evidence is currently insufficient to determine the role of this variant in disease. Therefore, it has been classified as a Variant of Uncertain Significance.